The following is an entry in ClinVar:

ClinVar aggregate classification (germline): Likely pathogenic (1 of 4 stars; one submission).

Submission:

CeGaT Center for Human Genetics Tuebingen
Classification: Likely pathogenic. Last evaluated: 2025-09-01. Review status: criteria provided, single submitter. Criteria: CeGaT Center For Human Genetics Tuebingen Variant Classification Criteria Version 2. Collection method: clinical testing. Allele origin: germline. Affected: yes. Observed: 1 variant allele.
Comment: SOX11: PVS1:Strong, PM2

NM_003108.4(SOX11):c.736G>T (p.Glu246Ter)

Gene: SOX11 (SRY-box transcription factor 11; plus strand). Cytogenetic location: 2p25.2.
Variant type: single nucleotide variant.
Coding change: c.736G>T on transcript NM_003108.4 (MANE Select); coding-DNA position 736, G replaced by T.
Protein change: p.Glu246Ter; replaces glutamic acid 246 with a stop codon.
Molecular consequence: nonsense.
Genome position (GRCh38, 1-based): chr2:5,693,457, G>T. VCF-style: chr2-5693457-G-T. GRCh37 (hg19) VCF-style: chr2-5833589-G-T.
Other names: short protein forms E246*.
Identifiers: ClinVar variation 4281552 (VCV004281552.7).